The following is an entry in ClinVar:

ClinVar aggregate classification (germline): Uncertain significance (1 of 4 stars; one submission).

Submission:

Labcorp Genetics (formerly Invitae), Labcorp
Classification: Uncertain significance. Last evaluated: 2025-05-26. Review status: criteria provided, single submitter. Criteria: Invitae Variant Classification Sherloc (09022015). Collection method: clinical testing. Allele origin: germline.
Comment: This sequence change replaces threonine, which is neutral and polar, with lysine, which is basic and polar, at codon 3083 of the ANK3 protein (p.Thr3083Lys). This variant is not present in population databases (gnomAD no frequency). This variant has not been reported in the literature in individuals affected with ANK3-related conditions. Invitae Evidence Modeling of protein sequence and biophysical properties (such as structural, functional, and spatial information, amino acid conservation, physicochemical variation, residue mobility, and thermodynamic stability) indicates that this missense variant is not expected to disrupt ANK3 protein function with a negative predictive value of 80%. In summary, the available evidence is currently insufficient to determine the role of this variant in disease. Therefore, it has been classified as a Variant of Uncertain Significance.

NM_020987.5(ANK3):c.9248C>A (p.Thr3083Lys)

Gene: ANK3 (ankyrin 3; minus strand). Cytogenetic location: 10q21.2.
Variant type: single nucleotide variant.
Coding change: c.9248C>A on transcript NM_020987.5 (MANE Select); coding-DNA position 9248, C replaced by A.
Protein change: p.Thr3083Lys; replaces threonine 3083 with lysine.
Molecular consequence: missense variant. On other transcripts: intron variant (4).
Genome position (GRCh38, 1-based): chr10:60,071,633, G>T on the plus strand (C>A on the coding strand, the complement: ANK3 is on the minus strand). VCF-style: chr10-60071633-G-T. GRCh37 (hg19) VCF-style: chr10-61831391-G-T.
Other names: c.4388-3624C>A (NM_001204403.2); c.4409-3624C>A (NM_001204404.2); c.4406-3624C>A (NM_001320874.2); c.1808-3624C>A (NM_001149.4); short protein forms T3083K.
Identifiers: ClinVar variation 4745073 (VCV004745073.1).